The following is an entry in ClinVar:

NM_000451.4(SHOX):c.279G>T (p.Gly93=)

Genes: SHOX (SHOX homeobox; plus strand), LOC107652445 (meiotic recombination hotspot SHOX; plus strand). Cytogenetic location: Xp22.33.
Variant type: single nucleotide variant.
Coding change: c.279G>T on transcript NM_000451.4 (MANE Select); coding-DNA position 279, G replaced by T.
Protein change: p.Gly93=; no amino-acid change (glycine 93 retained).
Molecular consequence: synonymous variant.
Genome position (GRCh38, 1-based): chrX:634,619, G>T. VCF-style: chrX-634619-G-T. GRCh37 (hg19) VCF-style: chrX-595354-G-T.
Other names: c.279G>T, p.Gly93= (NM_006883.2).
Identifiers: ClinVar variation 36773 (VCV000036773.7), dbSNP rs193922465, ClinGen allele CA214242.

ClinVar aggregate classification (germline): Conflicting classifications of pathogenicity. Review status: criteria provided, conflicting classifications (1 of 4 stars). 2 submissions from 2 submitters: Uncertain significance (1); Benign (1). Last evaluated 2024-05-03.

Allele frequency attached by ClinVar (database versions not stated): ESP Exome Variant Server 0.00023; ExAC 0.00002; TOPMed 0.00010.
gnomAD v4.1: 307 of 1,613,478 alleles (0.019%); highest among the groups gnomAD compares: Non-Finnish European, 0.023%; no homozygotes.

Submissions (2):

Women's Health and Genetics/Laboratory Corporation of America, LabCorp
Classification: Uncertain significance. Last evaluated: 2024-05-03. Review status: criteria provided, single submitter. Criteria: LabCorp Variant Classification Summary - May 2015. Collection method: clinical testing. Allele origin: germline.
Comment: Variant summary: SHOX c.279G>T (p.Gly93Gly) alters a non-conserved nucleotide located close to a canonical splice site and therefore could affect mRNA splicing, leading to a significantly altered protein sequence. Consensus agreement among computation tools predict no significant impact on normal splicing. However, these predictions have yet to be confirmed by functional studies. The variant allele was found at a frequency of 8.4e-05 in 249940 control chromosomes. This frequency is not significantly higher than estimated for a pathogenic variant in SHOX causing Short Stature (8.4e-05 vs 0.0005), allowing no conclusion about variant significance. To our knowledge, no occurrence of c.279G>T in individuals affected with Short Stature and no experimental evidence demonstrating its impact on protein function have been reported. ClinVar contains an entry for this variant (Variation ID: 36773). Based on the evidence outlined above, the variant was classified as VUS-possibly benign.

Athena Diagnostics
Classification: Benign. Last evaluated: 2020-09-15. Review status: criteria provided, single submitter. Criteria: Athena Diagnostics criteria. Collection method: clinical testing. Allele origin: unknown.